The following is an entry in ClinVar:

NM_022455.5(NSD1):c.1814A>G (p.Glu605Gly)

Gene: NSD1 (nuclear receptor binding SET domain protein 1; plus strand). Cytogenetic location: 5q35.3.
Variant type: single nucleotide variant.
Coding change: c.1814A>G on transcript NM_022455.5 (MANE Select); coding-DNA position 1814, A replaced by G.
Protein change: p.Glu605Gly; replaces glutamic acid 605 with glycine.
Molecular consequence: missense variant.
Genome position (GRCh38, 1-based): chr5:177,210,213, A>G. VCF-style: chr5-177210213-A-G. GRCh37 (hg19) VCF-style: chr5-176637214-A-G.
Other names: c.941A>G, p.Glu314Gly (NM_001365684.2, NM_001409306.1, NM_001409307.1 and 3 more transcripts); c.1814A>G, p.Glu605Gly (NM_001409301.1, NM_001409302.1, NM_001409303.1); c.1394A>G, p.Glu465Gly (NM_001409304.1); c.1061A>G, p.Glu354Gly (NM_001409305.1); short protein forms E336G, E465G, E314G, E354G, E605G.
Identifiers: ClinVar variation 2202621 (VCV002202621.5), dbSNP rs1210587929, ClinGen allele CA362311492.
Genomic context (GRCh38, chr5:177,210,213, plus strand): 5'-CAAATGGTGACTCTTTATTGGGCTTGCCTGAGGGTGCTTTGATCTCAAAGTGTTCTCGAG[A>G]GAAGAATAAACCCCAACGAAGCCTGGTGTGTGGTTCAAAAGTGAAGCTCTGCTATATTGG-3'
Protein context (NP_071900.2, residues 595-615): EGALISKCSR[Glu605Gly]KNKPQRSLVC

ClinVar aggregate classification (germline): Conflicting classifications of pathogenicity. Review status: criteria provided, conflicting classifications (1 of 4 stars). 2 submissions from 2 submitters: Uncertain significance (1); Likely benign (1). Last evaluated 2025-01-21.

Conditions:
Sotos syndrome (SOTOS). Also called: CHROMOSOME 5q35 DELETION SYNDROME; SOTOS SYNDROME 1; CEREBRAL GIGANTISM; Sotos' syndrome; Distinctive facial appearance, overgrowth in childhood, and learning disabilities or delayed development. Identifiers: Orphanet 821, MedGen C0175695, MONDO:0019349, OMIM 117550.

Allele frequency attached by ClinVar (database versions not stated): TOPMed below 0.00001; gnomAD 0.00001; gnomAD exomes 0.00001.
gnomAD v4.1: 18 of 1,595,782 alleles (0.0011%); highest among the groups gnomAD compares: Non-Finnish European, 0.00077%; no homozygotes.

Submissions (2):

Labcorp Genetics (formerly Invitae), Labcorp
Classification: Uncertain significance. Last evaluated: 2025-01-21. Review status: criteria provided, single submitter. Criteria: Invitae Variant Classification Sherloc (09022015). Collection method: clinical testing. Allele origin: germline.
Comment: This sequence change replaces glutamic acid, which is acidic and polar, with glycine, which is neutral and non-polar, at codon 605 of the NSD1 protein (p.Glu605Gly). This variant is not present in population databases (gnomAD no frequency). This variant has not been reported in the literature in individuals affected with NSD1-related conditions. ClinVar contains an entry for this variant (Variation ID: 2202621). Invitae Evidence Modeling of protein sequence and biophysical properties (such as structural, functional, and spatial information, amino acid conservation, physicochemical variation, residue mobility, and thermodynamic stability) indicates that this missense variant is not expected to disrupt NSD1 protein function with a negative predictive value of 95%. In summary, the available evidence is currently insufficient to determine the role of this variant in disease. Therefore, it has been classified as a Variant of Uncertain Significance.

Dr. med. U. Finckh, Human Genetics, Eurofins MVZ
Classification: Likely benign for Sotos syndrome. Review status: criteria provided, single submitter. Criteria: ACMG Guidelines, 2015. Collection method: clinical testing. Allele origin: maternal. Affected: no.